The following is an entry in ClinVar:

ClinVar aggregate classification (germline): Conflicting classifications of pathogenicity. Review status: criteria provided, conflicting classifications (1 of 4 stars). 10 submissions from 10 submitters: Uncertain significance (4); Benign (1); Likely benign (1). 4 of the submissions do not count toward it. Last evaluated 2026-08-05.

Conditions:
Autosomal dominant polycystic liver disease. Also called: Congenital cystic disease of liver; Polycystic liver disease. Identifiers: Orphanet 2924, MedGen C0158683, MONDO:0000447, HP:0006557.
PKHD1-related disorder. Also called: PKHD1-related condition.
Polycystic kidney disease 4 (PKD4). Also called: POLYCYSTIC KIDNEY DISEASE 4 WITH OR WITHOUT POLYCYSTIC LIVER DISEASE; PKD3; Autosomal Recessive Polycystic Kidney Disease – PKHD1; POLYCYSTIC KIDNEY AND HEPATIC DISEASE 1; POLYCYSTIC KIDNEY DISEASE, INFANTILE, TYPE I. Identifiers: MedGen C4540575, MONDO:0033004, OMIM 263200.
Autosomal recessive polycystic kidney disease (ARPKD). Also called: AR polycystic kidney disease. Identifiers: Orphanet 731, Orphanet 8378, MedGen C0085548, MeSH D017044, MONDO:0009889.

Allele frequency attached by ClinVar (database versions not stated): ESP Exome Variant Server 0.00023; 1000 Genomes Project 30x 0.00031; 1000 Genomes Project 0.00040; TOPMed 0.00049; ExAC 0.00053; gnomAD 0.00056 and 0.00058.
gnomAD v4.1: 598 of 1,614,220 alleles (0.037%); highest among the groups gnomAD compares: Admixed American, 0.13%; 5 homozygotes.

Submissions (10):

GeneDx
Classification: Uncertain significance. Last evaluated: 2026-08-05. Review status: criteria provided, single submitter. Criteria: GeneDx Variant Classification Process June 2021. Collection method: clinical testing. Allele origin: germline.
Comment: In silico analysis supports that this missense variant has a deleterious effect on protein structure/function; Has not been previously published as pathogenic in patients with PKHD1-related disease to our knowledge; This variant is associated with the following publications: (PMID: 12874454)

Labcorp Genetics (formerly Invitae), Labcorp
Classification: Benign for Autosomal recessive polycystic kidney disease. Last evaluated: 2026-01-28. Review status: criteria provided, single submitter. Criteria: Invitae Variant Classification Sherloc (09022015). Collection method: clinical testing. Allele origin: germline.

Blueprint Genetics
Classification: Likely benign. Last evaluated: 2024-08-29. Review status: criteria provided, single submitter. Criteria: ACMG Guidelines, 2015. Collection method: clinical testing. Allele origin: germline.

Illumina Laboratory Services, Illumina
Classification: Uncertain significance for Polycystic kidney disease 4. Last evaluated: 2017-04-27. Review status: criteria provided, single submitter. Criteria: ICSL Variant Classification Criteria 13 December 2019. Collection method: clinical testing. Allele origin: germline.
Comment: This variant was observed as part of a predisposition screen in an ostensibly healthy population. A literature search was performed for the gene, cDNA change, and amino acid change (where applicable). Publications were found based on this search. However, the evidence from the literature, in combination with allele frequency data from public databases where available, was not sufficient to rule this variant in or out of causing disease. Therefore, this variant is classified as a variant of unknown significance.

CeGaT Center for Human Genetics Tuebingen
Classification: Uncertain significance. Last evaluated: 2017-01-01. Review status: criteria provided, single submitter. Criteria: CeGaT Center For Human Genetics Tuebingen Variant Classification Criteria Version 2. Collection method: clinical testing. Allele origin: germline. Affected: yes. Observed: 2 variant alleles.

Eurofins Ntd Llc (ga)
Classification: Uncertain significance. Last evaluated: 2016-06-09. Review status: criteria provided, single submitter. Criteria: EGL Classification Definitions 2015. Collection method: clinical testing. Allele origin: germline. Observed: 2 variant alleles, 2 heterozygotes.

Laboratory of Gastroenterology and Hepatology, Radboud University Medical Center
Classification: Uncertain significance for Autosomal dominant polycystic liver disease. Last evaluated: 2021-09-01. Review status: no assertion criteria provided. Collection method: research. Allele origin: germline. Affected: yes. Not counted in ClinVar's aggregate classification.

PreventionGenetics, part of Exact Sciences
Classification: Benign for PKHD1-related condition. Last evaluated: 2021-03-29. Review status: no assertion criteria provided. Collection method: clinical testing. Allele origin: germline. Not counted in ClinVar's aggregate classification.
Comment: This variant is classified as benign based on ACMG/AMP sequence variant interpretation guidelines (Richards et al. 2015 PMID: 25741868, with internal and published modifications).

Natera, Inc.
Classification: Benign for Autosomal recessive polycystic kidney disease. Last evaluated: 2017-11-14. Review status: no assertion criteria provided. Collection method: clinical testing. Allele origin: germline. Not counted in ClinVar's aggregate classification.

Counsyl
Classification: Likely benign for Polycystic kidney disease 4. Last evaluated: 2017-02-09. Review status: no assertion criteria provided. Collection method: clinical testing. Allele origin: unknown. Not counted in ClinVar's aggregate classification.

Literature cited by the submitters: PubMed 12874454 (cited by Illumina Laboratory Services, Illumina and Counsyl).

NM_138694.4(PKHD1):c.2194G>T (p.Val732Phe)

Gene: PKHD1 (PKHD1 ciliary IPT domain containing fibrocystin/polyductin; minus strand). Cytogenetic location: 6p12.2.
Variant type: single nucleotide variant.
Coding change: c.2194G>T on transcript NM_138694.4 (MANE Select); coding-DNA position 2194, G replaced by T.
Protein change: p.Val732Phe; replaces valine 732 with phenylalanine.
Molecular consequence: missense variant.
Genome position (GRCh38, 1-based): chr6:52,050,242, C>A on the plus strand (G>T on the coding strand, the complement: PKHD1 is on the minus strand). VCF-style: chr6-52050242-C-A. GRCh37 (hg19) VCF-style: chr6-51915040-C-A.
Other names: c.2194G>T, p.Val732Phe (NM_170724.3); short protein forms V732F.
Identifiers: ClinVar variation 288720 (VCV000288720.90), dbSNP rs201432731, ClinGen allele CA3853307.